The following is an entry in ClinVar:

NM_001020658.2(PUM1):c.556C>T (p.Gln186Ter)

Gene: PUM1 (pumilio RNA binding family member 1; minus strand). Cytogenetic location: 1p35.2.
Variant type: single nucleotide variant.
Coding change: c.556C>T on transcript NM_001020658.2 (MANE Select); coding-DNA position 556, C replaced by T.
Protein change: p.Gln186Ter; replaces glutamine 186 with a stop codon.
Molecular consequence: nonsense.
Genome position (GRCh38, 1-based): chr1:31,006,017, G>A on the plus strand (C>T on the coding strand, the complement: PUM1 is on the minus strand). VCF-style: chr1-31006017-G-A. GRCh37 (hg19) VCF-style: chr1-31478864-G-A.
Other names: c.556C>T, p.Gln186Ter (NM_014676.3); short protein forms Q186*.
Identifiers: ClinVar variation 4879576 (VCV004879576.1).

ClinVar aggregate classification (germline): Uncertain significance (1 of 4 stars; one submission).

Conditions:
Spinocerebellar ataxia 47 (NEDMSF). Also called: neurodevelopmental disorder with motor abnormalities, seizures, and facial dysmorphism; PADDAS SYNDROME. Identifiers: Orphanet 642747, MedGen C4693672, MONDO:0033482, OMIM 620719.

Submission:

Victorian Clinical Genetics Services, Murdoch Childrens Research Institute
Classification: Uncertain significance for Spinocerebellar ataxia 47. Last evaluated: 2026-04-24. Review status: criteria provided, single submitter. Criteria: ACMG Guidelines, 2015. Collection method: clinical testing. Allele origin: germline. Affected: yes.
Comment: This variant is classified as VUS-3A. Evidence in support of pathogenic classification: Variant is predicted to cause nonsense-mediated decay (NMD) and loss of protein (premature termination codon is located at least 54 nucleotides upstream of the final exon-exon junction); Variant is absent from gnomAD (v2, v3 and v4); Other NMD-predicted variants comparable to the one identified in this case have strong previous evidence for pathogenicity. Two individuals have been reported in the literature with a neurodevelopmental disorder with de novo NMD-predicted variants (PMID: 40472467, 31859446). There are also NMD-predicted variants classified as likely pathogenic/pathogenic by clinical laboratories in ClinVar, however they have limited information provided. Additional information: This variant is heterozygous; This gene is associated with autosomal dominant disease; This variant has no previous evidence of pathogenicity; No published evidence of segregation with disease has been identified for this variant; No published functional evidence has been identified for this variant; Loss of function is a known mechanism of disease in this gene and is associated with neurodevelopmental disorder with motor abnormalities, seizures, and facial dysmorphism (MIM#620719).

Literature cited by the submitters: PubMed 31859446; PubMed 40472467.